The following is an entry in ClinVar:

ClinVar aggregate classification (germline): Uncertain significance (1 of 4 stars; one submission).

Conditions:
Myofibrillar myopathy 4. Also called: Zaspopathy (type). Identifiers: Orphanet 98912, MedGen C4721886, MONDO:0012277, OMIM 609452.

Allele frequency attached by ClinVar (database versions not stated): gnomAD exomes below 0.00001; ExAC 0.00001.
gnomAD v4.1: 3 of 1,612,948 alleles (0.00019%); highest among the groups gnomAD compares: Non-Finnish European, 0.00025%; no homozygotes.

Submission:

Labcorp Genetics (formerly Invitae), Labcorp
Classification: Uncertain significance for Myofibrillar myopathy 4. Last evaluated: 2022-11-22. Review status: criteria provided, single submitter. Criteria: Invitae Variant Classification Sherloc (09022015). Collection method: clinical testing. Allele origin: germline.
Comment: In summary, the available evidence is currently insufficient to determine the role of this variant in disease. Therefore, it has been classified as a Variant of Uncertain Significance. Experimental studies and prediction algorithms are not available or were not evaluated, and the effect of this variant on mRNA splicing is currently unknown. This variant has not been reported in the literature in individuals affected with LDB3-related conditions. This variant is present in population databases (rs767506648, gnomAD 0.0009%). This sequence change affects codon 378 of the LDB3 mRNA. It is a 'silent' change, meaning that it does not change the encoded amino acid sequence of the LDB3 protein. The LDB3 gene has multiple clinically relevant transcripts. This variant occurs in alternate transcript NM_007078.3, and corresponds to NM_001080116.1:c.*10579T>C in the primary transcript.

NM_007078.3(LDB3):c.1134T>C (p.Pro378=)

Gene: LDB3 (LIM domain binding 3; plus strand). Cytogenetic location: 10q23.2.
Variant type: single nucleotide variant.
Coding change: c.1134T>C on transcript NM_007078.3 (MANE Select); coding-DNA position 1134, T replaced by C.
Protein change: p.Pro378=; no amino-acid change (proline 378 retained).
Molecular consequence: synonymous variant.
Genome position (GRCh38, 1-based): chr10:86,709,953, T>C. VCF-style: chr10-86709953-T-C. GRCh37 (hg19) VCF-style: chr10-88469710-T-C.
Other names: c.804T>C, p.Pro268= (NM_001080114.2); c.1149T>C, p.Pro383= (NM_001171610.2); c.945T>C, p.Pro315= (NM_001368064.1, NM_001368065.1); c.993T>C, p.Pro331= (NM_001368066.1).
Identifiers: ClinVar variation 2158253 (VCV002158253.4), dbSNP rs767506648, ClinGen allele CA5585063.